The following is an entry in ClinVar:

ClinVar aggregate classification (germline): Likely benign. Review status: criteria provided, single submitter (1 of 4 stars). 2 submissions from 2 submitters: Likely benign (1). 1 of the submissions does not count toward it. Last evaluated 2025-11-19.

Conditions:
FAT4-related disorder. Also called: FAT4-related condition.

Allele frequency attached by ClinVar (database versions not stated): gnomAD 0.00001; TOPMed below 0.00001; ExAC 0.00001; gnomAD exomes 0.00002.
gnomAD v4.1: 25 of 1,614,032 alleles (0.0015%); highest among the groups gnomAD compares: Non-Finnish European, 0.0021%; no homozygotes.

Submissions (2):

Labcorp Genetics (formerly Invitae), Labcorp
Classification: Likely benign. Last evaluated: 2025-11-19. Review status: criteria provided, single submitter. Criteria: Invitae Variant Classification Sherloc (09022015). Collection method: clinical testing. Allele origin: germline.

PreventionGenetics, part of Exact Sciences
Classification: Likely benign for FAT4-related condition. Last evaluated: 2020-04-04. Review status: no assertion criteria provided. Collection method: clinical testing. Allele origin: germline. Not counted in ClinVar's aggregate classification.
Comment: This variant is classified as likely benign based on ACMG/AMP sequence variant interpretation guidelines (Richards et al. 2015 PMID: 25741868, with internal and published modifications).

NM_001291303.3(FAT4):c.10407A>G (p.Glu3469=)

Gene: FAT4 (FAT atypical cadherin 4; plus strand). Cytogenetic location: 4q28.1.
Variant type: single nucleotide variant.
Coding change: c.10407A>G on transcript NM_001291303.3 (MANE Select); coding-DNA position 10407, A replaced by G.
Protein change: p.Glu3469=; no amino-acid change (glutamic acid 3469 retained).
Molecular consequence: synonymous variant.
Genome position (GRCh38, 1-based): chr4:125,451,417, A>G. VCF-style: chr4-125451417-A-G. GRCh37 (hg19) VCF-style: chr4-126372572-A-G.
Other names: c.10407A>G, p.Glu3469= (NM_001291285.3); c.10401A>G, p.Glu3467= (NM_024582.6); c.10401A>G (NM_024582.4).
Identifiers: ClinVar variation 3002176 (VCV003002176.5), dbSNP rs747627861, ClinGen allele CA3073686.